The following is an entry in ClinVar:

NM_020987.5(ANK3):c.4769A>G (p.Tyr1590Cys)

Gene: ANK3 (ankyrin 3; minus strand). Cytogenetic location: 10q21.2.
Variant type: single nucleotide variant.
Coding change: c.4769A>G on transcript NM_020987.5 (MANE Select); coding-DNA position 4769, A replaced by G.
Protein change: p.Tyr1590Cys; replaces tyrosine 1590 with cysteine.
Molecular consequence: missense variant. On other transcripts: intron variant (4).
Genome position (GRCh38, 1-based): chr10:60,076,112, T>C on the plus strand (A>G on the coding strand, the complement: ANK3 is on the minus strand). VCF-style: chr10-60076112-T-C. GRCh37 (hg19) VCF-style: chr10-61835870-T-C.
Other names: c.4387+4425A>G (NM_001204403.2); c.4408+4425A>G (NM_001204404.2); c.4405+4425A>G (NM_001320874.2); c.1807+4425A>G (NM_001149.4); short protein forms Y1590C.
Identifiers: ClinVar variation 2633234 (VCV002633234.3), dbSNP rs760544526, ClinGen allele CA5512112.

ClinVar aggregate classification (germline): Uncertain significance (0 of 4 stars; one submission).

Conditions:
ANK3-related disorder. Also called: ANK3-related condition.

Allele frequency attached by ClinVar (database versions not stated): ExAC 0.00001; TOPMed 0.00001; gnomAD exomes 0.00002.
gnomAD v4.1: 28 of 1,614,220 alleles (0.0017%); highest among the groups gnomAD compares: Non-Finnish European, 0.0022%; no homozygotes.

Submission:

PreventionGenetics, part of Exact Sciences
Classification: Uncertain significance for ANK3-related condition. Last evaluated: 2024-01-04. Review status: no assertion criteria provided. Collection method: clinical testing. Allele origin: germline.
Comment: The ANK3 c.4769A>G variant is predicted to result in the amino acid substitution p.Tyr1590Cys. To our knowledge, this variant has not been reported in the literature. This variant is reported in 0.0029% of alleles in individuals of Latino descent in gnomAD. At this time, the clinical significance of this variant is uncertain due to the absence of conclusive functional and genetic evidence.